The following is an entry in ClinVar:

NM_000553.6(WRN):c.3044G>A (p.Trp1015Ter)

Gene: WRN (WRN RecQ like helicase; plus strand). Cytogenetic location: 8p12.
Variant type: single nucleotide variant.
Coding change: c.3044G>A on transcript NM_000553.6 (MANE Select); coding-DNA position 3044, G replaced by A.
Protein change: p.Trp1015Ter; replaces tryptophan 1015 with a stop codon.
Molecular consequence: nonsense.
Genome position (GRCh38, 1-based): chr8:31,141,506, G>A. VCF-style: chr8-31141506-G-A. GRCh37 (hg19) VCF-style: chr8-30999022-G-A.
Other names: short protein forms W1015*.
Identifiers: ClinVar variation 2104076 (VCV002104076.4), dbSNP rs2130415100, ClinGen allele CA370922035.
Genomic context (GRCh38, chr8:31,141,506, plus strand): 5'-CCGATCAATATCGCAGGCACAGTTTATTTGGCACTGGCAAGGATCAAACAGAGAGTTGGT[G>A]GAAGGCTTTTTCCCGTCAGCTGATCACTGAGGGATTCTTGGTAGAAGTTTCTCGGTATAA-3'

ClinVar aggregate classification (germline): Pathogenic (1 of 4 stars; one submission).

Conditions:
Werner syndrome (WRN). Identifiers: Orphanet 902, MedGen C0043119, MONDO:0010196, OMIM 277700.

Submission:

Labcorp Genetics (formerly Invitae), Labcorp
Classification: Pathogenic for Werner syndrome. Last evaluated: 2022-03-03. Review status: criteria provided, single submitter. Criteria: Invitae Variant Classification Sherloc (09022015). Collection method: clinical testing. Allele origin: germline.
Comment: This variant has not been reported in the literature in individuals affected with WRN-related conditions. This variant is not present in population databases (gnomAD no frequency). This sequence change creates a premature translational stop signal (p.Trp1015*) in the WRN gene. It is expected to result in an absent or disrupted protein product. Loss-of-function variants in WRN are known to be pathogenic (PMID: 16673358). For these reasons, this variant has been classified as Pathogenic.

Literature cited by the submitters: PubMed 16673358.